The following is an entry in ClinVar:

ClinVar aggregate classification (germline): Uncertain significance (1 of 4 stars; one submission).

Conditions:
Charcot-Marie-Tooth disease type 2E (CMT2E). Also called: CHARCOT-MARIE-TOOTH DISEASE, AXONAL, TYPE 2E; CHARCOT-MARIE-TOOTH NEUROPATHY, TYPE 2E. Identifiers: Orphanet 99939, MedGen C1843225, MONDO:0011894, OMIM 607684.

Allele frequency attached by ClinVar (database versions not stated): gnomAD exomes below 0.00001; TOPMed below 0.00001.
gnomAD v4.1: 12 of 1,613,506 alleles (0.00074%); highest among the groups gnomAD compares: Non-Finnish European, 0.00093%; no homozygotes.

Submission:

Labcorp Genetics (formerly Invitae), Labcorp
Classification: Uncertain significance for Charcot-Marie-Tooth disease type 2E. Last evaluated: 2024-04-18. Review status: criteria provided, single submitter. Criteria: Invitae Variant Classification Sherloc (09022015). Collection method: clinical testing. Allele origin: germline.
Comment: This sequence change replaces alanine, which is neutral and non-polar, with valine, which is neutral and non-polar, at codon 256 of the NEFL protein (p.Ala256Val). This variant is present in population databases (no rsID available, gnomAD 0.0009%). This variant has not been reported in the literature in individuals affected with NEFL-related conditions. ClinVar contains an entry for this variant (Variation ID: 1043322). Advanced modeling of protein sequence and biophysical properties (such as structural, functional, and spatial information, amino acid conservation, physicochemical variation, residue mobility, and thermodynamic stability) performed at Invitae indicates that this missense variant is not expected to disrupt NEFL protein function with a negative predictive value of 80%. In summary, the available evidence is currently insufficient to determine the role of this variant in disease. Therefore, it has been classified as a Variant of Uncertain Significance.

NM_006158.5(NEFL):c.767C>T (p.Ala256Val)

Gene: NEFL (neurofilament light chain; minus strand). Cytogenetic location: 8p21.2.
Variant type: single nucleotide variant.
Coding change: c.767C>T on transcript NM_006158.5 (MANE Select); coding-DNA position 767, C replaced by T.
Protein change: p.Ala256Val; replaces alanine 256 with valine.
Molecular consequence: missense variant.
Genome position (GRCh38, 1-based): chr8:24,955,749, G>A on the plus strand (C>T on the coding strand, the complement: NEFL is on the minus strand). VCF-style: chr8-24955749-G-A. GRCh37 (hg19) VCF-style: chr8-24813263-G-A.
Other names: short protein forms A256V.
Identifiers: ClinVar variation 1043322 (VCV001043322.5), dbSNP rs775775697, ClinGen allele CA370621676.